The following is an entry in ClinVar:

ClinVar aggregate classification (germline): Likely benign. Review status: criteria provided, multiple submitters, no conflicts (2 of 4 stars). 2 submissions from 2 submitters: Likely benign (2). Last evaluated 2026-03-02.

Conditions:
VPS33B-related disorder. Also called: VPS33B-related condition.

Allele frequency attached by ClinVar (database versions not stated): ExAC 0.00001; gnomAD exomes 0.00001; TOPMed 0.00001.
gnomAD v4.1: 5 of 1,613,422 alleles (0.00031%); highest among the groups gnomAD compares: East Asian, 0.0022%; no homozygotes.

Submissions (2):

PreventionGenetics, part of Exact Sciences
Classification: Likely benign for VPS33B-related condition. Last evaluated: 2026-03-02. Review status: criteria provided, single submitter. Criteria: ACMG Guidelines, 2015. Collection method: clinical testing. Allele origin: germline.
Comment: This variant is classified as likely benign based on ACMG/AMP sequence variant interpretation guidelines (Richards et al. 2015 PMID: 25741868, with internal and published modifications).

Labcorp Genetics (formerly Invitae), Labcorp
Classification: Likely benign. Last evaluated: 2023-09-14. Review status: criteria provided, single submitter. Criteria: Invitae Variant Classification Sherloc (09022015). Collection method: clinical testing. Allele origin: germline.

NM_018668.5(VPS33B):c.1533C>T (p.Tyr511=)

Gene: VPS33B (VPS33B late endosome and lysosome associated; minus strand). Cytogenetic location: 15q26.1.
Variant type: single nucleotide variant.
Coding change: c.1533C>T on transcript NM_018668.5 (MANE Select); coding-DNA position 1533, C replaced by T.
Protein change: p.Tyr511=; no amino-acid change (tyrosine 511 retained).
Molecular consequence: synonymous variant.
Genome position (GRCh38, 1-based): chr15:91,000,538, G>A on the plus strand (C>T on the coding strand, the complement: VPS33B is on the minus strand). VCF-style: chr15-91000538-G-A. GRCh37 (hg19) VCF-style: chr15-91543768-G-A.
Other names: c.1452C>T, p.Tyr484= (NM_001289148.1); c.1260C>T, p.Tyr420= (NM_001289149.1).
Identifiers: ClinVar variation 2983534 (VCV002983534.4), dbSNP rs774229913, ClinGen allele CA7744605.